The following is an entry in ClinVar:

ClinVar aggregate classification (germline): Likely benign (1 of 4 stars; one submission).

Allele frequency attached by ClinVar (database versions not stated): 1000 Genomes Project 30x 0.00016; 1000 Genomes Project 0.00020; ESP Exome Variant Server 0.00083; ExAC 0.00110; gnomAD 0.00133; TOPMed 0.00135; gnomAD exomes 0.00249.
gnomAD v4.1: 3,849 of 1,614,114 alleles (0.24%); highest among the groups gnomAD compares: Non-Finnish European, 0.3%; 6 homozygotes.

Submission:

CeGaT Center for Human Genetics Tuebingen
Classification: Likely benign. Last evaluated: 2023-01-01. Review status: criteria provided, single submitter. Criteria: CeGaT Center For Human Genetics Tuebingen Variant Classification Criteria Version 2. Collection method: clinical testing. Allele origin: germline. Affected: yes. Observed: 2 variant alleles.
Comment: FRY: BP4, BP7

NM_023037.3(FRY):c.3660T>C (p.Phe1220=)

Gene: FRY (FRY microtubule binding protein; plus strand). Cytogenetic location: 13q13.1.
Variant type: single nucleotide variant.
Coding change: c.3660T>C on transcript NM_023037.3 (MANE Select); coding-DNA position 3660, T replaced by C.
Protein change: p.Phe1220=; no amino-acid change (phenylalanine 1220 retained).
Molecular consequence: synonymous variant.
Genome position (GRCh38, 1-based): chr13:32,194,211, T>C. VCF-style: chr13-32194211-T-C. GRCh37 (hg19) VCF-style: chr13-32768348-T-C.
Other names: c.3660T>C, p.Phe1220= (NM_001411012.1).
Identifiers: ClinVar variation 2643723 (VCV002643723.24), dbSNP rs200876478, ClinGen allele CA6938688.